The following is an entry in ClinVar:

NM_000089.4(COL1A2):c.2026-1_2042dup

Gene: COL1A2 (collagen type I alpha 2 chain; plus strand). Cytogenetic location: 7q21.3.
Variant type: Duplication.
Coding change: c.2026-1_2042dup on transcript NM_000089.4 (MANE Select); the canonical splice acceptor site of the intron before coding-DNA position 2026 through coding-DNA position 2042, 18 bases duplicated (GGGTGCTCCTGGTGCTGT).
Molecular consequence: splice acceptor variant.
Genome position (GRCh38, 1-based): chr7:94,419,497-94,419,514, GGGTGCTCCTGGTGCTGT duplicated. VCF-style (leftmost placement, unchanged base first): chr7-94419496-A-AGGGTGCTCCTGGTGCTGT. GRCh37 (hg19) VCF-style: chr7-94048808-A-AGGGTGCTCCTGGTGCTGT.
Identifiers: ClinVar variation 684739 (VCV000684739.12), dbSNP rs1584325529, ClinGen allele CA915945368.

ClinVar aggregate classification (germline): Conflicting classifications of pathogenicity. Review status: criteria provided, conflicting classifications (1 of 4 stars). 2 submissions from 2 submitters: Pathogenic (1); Uncertain significance (1). Last evaluated 2021-11-14.

Conditions:
Osteogenesis imperfecta type I (OI1). Also called: OI, TYPE I; OSTEOGENESIS IMPERFECTA TARDA; OSTEOGENESIS IMPERFECTA WITH BLUE SCLERAE; Osteogenesis imperfecta type 1; Classic Non-deforming Osteogenesis Imperfecta with Blue Sclerae; Lobstein's Disease. Identifiers: Orphanet 216796, Orphanet 666, MedGen C0023931, MONDO:0008146, OMIM 166200. Disease mechanism: loss of function.
Ehlers-Danlos syndrome, classic type, 1 (EDSCL1). Also called: EDS I; EHLERS-DANLOS SYNDROME, GRAVIS TYPE; EHLERS-DANLOS SYNDROME, SEVERE CLASSIC TYPE; Ehlers-Danlos Syndrome, Classic Type, COL5A1-Related; Ehlers-Danlos syndrome, type 1. Identifiers: MedGen C0268335, MONDO:0019567, OMIM 130000.
Osteogenesis imperfecta type III (OI3). Also called: Progressively Deforming Osteogenesis Imperfecta; Osteogenesis imperfecta type 3; OI type 3; Osteogenesis imperfecta, progressively deforming with normal sclerae; OI type III. Identifiers: Orphanet 216812, Orphanet 666, MedGen C0268362, MONDO:0009804, OMIM 259420.

Submissions (2):

Labcorp Genetics (formerly Invitae), Labcorp
Classification: Pathogenic for Osteogenesis imperfecta type I; Ehlers-Danlos syndrome, classic type, 1. Last evaluated: 2021-11-14. Review status: criteria provided, single submitter. Criteria: Invitae Variant Classification Sherloc (09022015). Collection method: clinical testing. Allele origin: germline.
Comment: For these reasons, this variant has been classified as Pathogenic. Algorithms developed to predict the effect of sequence changes on RNA splicing suggest that this variant may create or strengthen a splice site. ClinVar contains an entry for this variant (Variation ID: 684739). This variant has been observed in individual(s) with autosomal dominant osteogenesis imperfecta (PMID: 30715774, 31447884, 32770541; Invitae). This variant is not present in population databases (gnomAD no frequency). This variant, c.2026-1_2042dup, results in the insertion of 6 amino acid(s) of the COL1A2 protein (p.Ala680_Gly685dup), but otherwise preserves the integrity of the reading frame.

Paediatric Orthopaedics Research Lab, Christian Medical College
Classification: Uncertain significance for Osteogenesis imperfecta type III. Last evaluated: 2018-04-13. Review status: criteria provided, single submitter. Criteria: ACMG Guidelines, 2015. Collection method: research. Allele origin: germline. Affected: yes. Observed: 1 variant allele.

Literature cited by the submitters: PubMed 30715774 (cited by Labcorp Genetics (formerly Invitae), Labcorp); PubMed 31447884 (cited by Labcorp Genetics (formerly Invitae), Labcorp); PubMed 32770541 (cited by Labcorp Genetics (formerly Invitae), Labcorp).